The following is an entry in ClinVar:

ClinVar aggregate classification (germline): Pathogenic (1 of 4 stars; one submission).

Conditions:
Duchenne muscular dystrophy (DMD). Also called: MUSCULAR DYSTROPHY, PSEUDOHYPERTROPHIC PROGRESSIVE, DUCHENNE TYPE; Duchenne Muscular Dystrophy (DMD). Identifiers: Orphanet 98896, MedGen C0013264, MONDO:0010679, OMIM 310200.

Submission:

Labcorp Genetics (formerly Invitae), Labcorp
Classification: Pathogenic for Duchenne muscular dystrophy. Last evaluated: 2018-04-06. Review status: criteria provided, single submitter. Criteria: Invitae Variant Classification Sherloc (09022015). Collection method: clinical testing. Allele origin: germline.
Comment: This variant is an in-frame deletion of the genomic region encompassing exons 35-44 of the DMD gene. It preserves the integrity of the reading frame. Similar deletions of exons 35-44Â¬â€ have been reported inÂ¬â€ individuals affected withÂ¬â€ Duchenne muscular dystrophy (DMD) or Becker muscular dystrophy (BMD)Â¬â€ (PMID:Â¬â€ 8429320, 19367636, 2063877, 20036901). For these reasons, this variant has been classified as Pathogenic.

NC_000023.11:g.(?_32216896)_(32365219_?)del

Gene: DMD (dystrophin; minus strand). Cytogenetic location: Xp21.1.
Variant type: Deletion.
Identifiers: ClinVar variation 584026 (VCV000584026.1).